The following is an entry in ClinVar:

ClinVar aggregate classification (germline): Likely benign (1 of 4 stars; one submission).

Conditions:
Oroticaciduria. Also called: Orotic aciduria. Identifiers: Orphanet 30, MedGen C0268128, HP:0003218.

Allele frequency attached by ClinVar (database versions not stated): gnomAD 0.01135 and 0.01063; ExAC 0.00047; gnomAD exomes 0.00214; 1000 Genomes Project 0.00859; 1000 Genomes Project 30x 0.00984; TOPMed 0.01177.
gnomAD v4.1: 1,987 of 450,252 alleles (0.44%); highest among the groups gnomAD compares: African/African-American, 3.7%; 48 homozygotes.

Submission:

Illumina Laboratory Services, Illumina
Classification: Likely benign for Hereditary orotic aciduria. Last evaluated: 2018-01-13. Review status: criteria provided, single submitter. Criteria: ICSL Variant Classification Criteria 13 December 2019. Collection method: clinical testing. Allele origin: germline.
Comment: This variant was observed in the ICSL laboratory as part of a predisposition screen in an ostensibly healthy population. It had not been previously curated by ICSL or reported in the Human Gene Mutation Database (HGMD: prior to June 1st, 2018), and was therefore a candidate for classification through an automated scoring system. Utilizing variant allele frequency, disease prevalence and penetrance estimates, and inheritance mode, an automated score was calculated to assess if this variant is too frequent to cause the disease. Based on the score and internal cut-off values, a variant classified as likely benign is not then subjected to further curation. The score for this variant resulted in a classification of likely benign for this disease.

NM_000373.4(UMPS):c.*4078T>C

Gene: UMPS (uridine monophosphate synthetase; plus strand). Cytogenetic location: 3q21.2.
Variant type: single nucleotide variant.
Coding change: c.*4078T>C on transcript NM_000373.4 (MANE Select); 4078 bases downstream of the stop codon, T replaced by C.
Molecular consequence: 3 prime UTR variant. On other transcripts: non-coding transcript variant (2).
Genome position (GRCh38, 1-based): chr3:124,748,162, T>C. VCF-style: chr3-124748162-T-C. GRCh37 (hg19) VCF-style: chr3-124467009-T-C.
Identifiers: ClinVar variation 343019 (VCV000343019.5), dbSNP rs13315593, ClinGen allele CA2582146.